The following is an entry in ClinVar:

NM_000536.4(RAG2):c.326T>A (p.Val109Asp)

Gene: RAG2 (recombination activating 2; minus strand). Cytogenetic location: 11p12.
Variant type: single nucleotide variant.
Coding change: c.326T>A on transcript NM_000536.4 (MANE Select); coding-DNA position 326, T replaced by A.
Protein change: p.Val109Asp; replaces valine 109 with aspartic acid.
Molecular consequence: missense variant.
Genome position (GRCh38, 1-based): chr11:36,593,843, A>T on the plus strand (T>A on the coding strand, the complement: RAG2 is on the minus strand). VCF-style: chr11-36593843-A-T. GRCh37 (hg19) VCF-style: chr11-36615393-A-T.
Other names: c.326T>A, p.Val109Asp (NM_001243785.2, NM_001243786.2); short protein forms V109D.
Identifiers: ClinVar variation 1045150 (VCV001045150.7), dbSNP rs201258007, ClinGen allele CA5950593.
Genomic context (GRCh38, chr11:36,593,843, plus strand): 5'-AAGTCTTTCTCTGTGCAGCGAAAAGTAACCTTTTTGTTGTTCTTGCAAACAATAGACATG[A>T]CATAAATCTTATCTGAAACCTCATTGTTTGGTGTTTTCCCTCCATGGATGATGTATTGAT-3'
Protein context (NP_000527.2, residues 99-119): PNNEVSDKIY[Val109Asp]MSIVCKNNKK

ClinVar aggregate classification (germline): Uncertain significance. Review status: criteria provided, single submitter (1 of 4 stars). 2 submissions from 2 submitters: Uncertain significance (1). 1 of the submissions does not count toward it. Last evaluated 2021-08-31.

Conditions:
Combined immunodeficiency with skin granulomas. Identifiers: Orphanet 157949, MedGen C2673536, MONDO:0009306, OMIM 233650.
Severe combined immunodeficiency, autosomal recessive, T cell-negative, B cell-negative, NK cell-positive. Also called: Severe combined immunodeficiency due to complete RAG1/2 deficiency; SCID, T CELL-NEGATIVE, B CELL-NEGATIVE, NK CELL-POSITIVE; SCID, AR, T-cell negative, B-cell negative, NK cell-positive. Identifiers: Orphanet 331206, MedGen C1832322, MONDO:0011086, OMIM 601457.
Histiocytic medullary reticulosis. Also called: SEVERE COMBINED IMMUNODEFICIENCY WITH HYPEREOSINOPHILIA; Omenn syndrome. Identifiers: Orphanet 39041, MedGen C2700553, MONDO:0011338, OMIM 603554.

Allele frequency attached by ClinVar (database versions not stated): gnomAD exomes 0.00001 and 0.00002; ExAC 0.00002; gnomAD 0.00002 and 0.00003; TOPMed 0.00002; ESP Exome Variant Server 0.00008.
gnomAD v4.1: 26 of 1,614,248 alleles (0.0016%); highest among the groups gnomAD compares: Admixed American, 0.0033%; no homozygotes.

Submissions (2):

Labcorp Genetics (formerly Invitae), Labcorp
Classification: Uncertain significance for Combined immunodeficiency with skin granulomas; Severe combined immunodeficiency, autosomal recessive, T cell-negative, B cell-negative, NK cell-positive. Last evaluated: 2021-08-31. Review status: criteria provided, single submitter. Criteria: Invitae Variant Classification Sherloc (09022015). Collection method: clinical testing. Allele origin: germline.
Comment: This sequence change replaces valine with aspartic acid at codon 109 of the RAG2 protein (p.Val109Asp). The valine residue is weakly conserved and there is a large physicochemical difference between valine and aspartic acid. This variant is present in population databases (rs201258007, ExAC 0.02%). This variant has not been reported in the literature in individuals affected with RAG2-related conditions. Algorithms developed to predict the effect of missense changes on protein structure and function are either unavailable or do not agree on the potential impact of this missense change (SIFT: "Deleterious"; PolyPhen-2: "Possibly Damaging"; Align-GVGD: "Class C15"). In summary, the available evidence is currently insufficient to determine the role of this variant in disease. Therefore, it has been classified as a Variant of Uncertain Significance.

Natera, Inc.
Classification: Uncertain significance for Omenn syndrome. Last evaluated: 2020-10-08. Review status: no assertion criteria provided. Collection method: clinical testing. Allele origin: germline. Not counted in ClinVar's aggregate classification.